The following is an entry in ClinVar:

NM_006231.4(POLE):c.602T>C (p.Ile201Thr)

Gene: POLE (DNA polymerase epsilon, catalytic subunit; minus strand). Cytogenetic location: 12q24.33.
Variant type: single nucleotide variant.
Coding change: c.602T>C on transcript NM_006231.4 (MANE Select); coding-DNA position 602, T replaced by C.
Protein change: p.Ile201Thr; replaces isoleucine 201 with threonine.
Molecular consequence: missense variant.
Genome position (GRCh38, 1-based): chr12:132,677,696, A>G on the plus strand (T>C on the coding strand, the complement: POLE is on the minus strand). VCF-style: chr12-132677696-A-G. GRCh37 (hg19) VCF-style: chr12-133254282-A-G.
Other names: short protein forms I201T.
Identifiers: ClinVar variation 240580 (VCV000240580.17), dbSNP rs375209004, ClinGen allele CA6894255.

ClinVar aggregate classification (germline): Conflicting classifications of pathogenicity. Review status: criteria provided, conflicting classifications (1 of 4 stars). 5 submissions from 5 submitters: Uncertain significance (1); Likely benign (4). Last evaluated 2025-12-29.

Conditions:
Familial colorectal cancer type X. Identifiers: Orphanet 440437, MedGen C3896578, MONDO:0018604.
Hereditary cancer-predisposing syndrome. Also called: Tumor predisposition; Neoplastic Syndromes, Hereditary; Hereditary Cancer Syndrome; Hereditary neoplastic syndrome. Identifiers: Orphanet 140162, MedGen C0027672, MeSH D009386, MONDO:0015356.

Allele frequency attached by ClinVar (database versions not stated): gnomAD below 0.00001 and 0.00007; TOPMed 0.00002; ESP Exome Variant Server 0.00008; gnomAD exomes 0.00012 and 0.00027; 1000 Genomes Project 30x 0.00031; ExAC 0.00032; 1000 Genomes Project 0.00040.
gnomAD v4.1: 181 of 1,614,146 alleles (0.011%); highest among the groups gnomAD compares: South Asian, 0.18%; 2 homozygotes.

Submissions (5):

Center for Genomic Medicine, Rigshospitalet, Copenhagen University Hospital
Classification: Likely benign. Last evaluated: 2025-12-29. Review status: criteria provided, single submitter. Criteria: ACMG Guidelines, 2015. Collection method: clinical testing. Allele origin: germline.
Comment: Classification criteria: BS1, BP4

Labcorp Genetics (formerly Invitae), Labcorp
Classification: Likely benign. Last evaluated: 2025-12-23. Review status: criteria provided, single submitter. Criteria: Invitae Variant Classification Sherloc (09022015). Collection method: clinical testing. Allele origin: germline.

Ambry Genetics
Classification: Likely benign for Hereditary cancer-predisposing syndrome. Last evaluated: 2022-10-28. Review status: criteria provided, single submitter. Criteria: Ambry Variant Classification Scheme 2023. Collection method: clinical testing. Allele origin: germline.

Department of Pathology and Laboratory Medicine, Sinai Health System
Classification: Likely benign for Familial colorectal cancer type X. Last evaluated: 2022-02-18. Review status: criteria provided, single submitter. Criteria: ACMG Guidelines, 2015. Collection method: clinical testing. Allele origin: germline. Affected: yes.

GeneDx
Classification: Uncertain significance. Last evaluated: 2016-03-02. Review status: criteria provided, single submitter. Criteria: GeneDx Variant Classification (06012015). Collection method: clinical testing. Allele origin: germline. Affected: yes.
Comment: This variant is denoted POLE c.602T>C at the cDNA level, p.Ile201Thr (I201T) at the protein level, and results in the change of an Isoleucine to a Threonine (ATT>ACT). This variant has not, to our knowledge, been published in the literature as pathogenic or benign. POLE Ile201Thr was not observed at a significant allele frequency in the NHLBI Exome Sequencing Project and 1000 Genomes. Since Isoleucine and Threonine differ in polarity, charge, size or other properties, this is considered a non-conservative amino acid substitution. POLE Ile201Thr occurs at a position that is not conserved and is not located in a known functional domain (Tahirov 2009, Preston 2010). In silico analyses predict that this variant is unlikely to alter protein structure or function. Based on currently available evidence, it is unclear whether POLE Ile201Thr is a pathogenic or benign variant. We consider it to be a variant of uncertain significance.